The following is an entry in ClinVar:

NM_000548.5(TSC2):c.111G>A (p.Glu37=)

Gene: TSC2 (TSC complex subunit 2; plus strand). Cytogenetic location: 16p13.3.
Variant type: single nucleotide variant.
Coding change: c.111G>A on transcript NM_000548.5 (MANE Select); coding-DNA position 111, G replaced by A.
Protein change: p.Glu37=; no amino-acid change (glutamic acid 37 retained).
Molecular consequence: synonymous variant. On other transcripts: 5 prime UTR variant (19), non-coding transcript variant (5), intron variant (6).
Genome position (GRCh38, 1-based): chr16:2,048,726, G>A. VCF-style: chr16-2048726-G-A. GRCh37 (hg19) VCF-style: chr16-2098727-G-A.
Other names: c.111G>A, p.Glu37= (NM_001077183.3, NM_001114382.3, NM_001318827.2 and 13 more transcripts); c.-116G>A (NM_001318831.2, NM_001406682.1, NM_001406684.1 and 2 more transcripts); c.144G>A, p.Glu48= (NM_001318832.2); c.-706G>A (NM_001406680.1, NM_001406683.1, NM_001406687.1); c.-335G>A (NM_001406681.1); c.-1321G>A (NM_001406689.1, NM_001406690.1, NM_001406691.1 and 2 more transcripts); c.-1627G>A (NM_001406693.1); c.-1202G>A (NM_001406694.1, NM_001406695.1); and 4 more.
Identifiers: ClinVar variation 3811311 (VCV003811311.2).

ClinVar aggregate classification (germline): Benign/Likely benign. Review status: criteria provided, multiple submitters, no conflicts (2 of 4 stars). 2 submissions from 2 submitters: Benign (1); Likely benign (1). Last evaluated 2025-04-30.

Conditions:
Tuberous sclerosis 2 (TSC2). Identifiers: Orphanet 805, MedGen C1860707, MONDO:0013199, OMIM 613254.
Hereditary cancer-predisposing syndrome. Also called: Hereditary Cancer Syndrome; Hereditary neoplastic syndrome; Tumor predisposition; Neoplastic Syndromes, Hereditary. Identifiers: Orphanet 140162, MedGen C0027672, MeSH D009386, MONDO:0015356.

gnomAD v4.1: 1 of 1,614,078 alleles (0.000062%); highest among the groups gnomAD compares: Non-Finnish European, 0.000085%; no homozygotes.

Submissions (2):

Myriad Genetics, Inc.
Classification: Benign for Tuberous sclerosis 2. Last evaluated: 2025-04-30. Review status: criteria provided, single submitter. Criteria: Myriad Autosomal Dominant, Autosomal Recessive and X-Linked Classification Criteria (2023). Collection method: clinical testing. Allele origin: unknown.
Comment: This variant is considered benign. This variant is a silent/synonymous amino acid change and it is not expected to impact splicing.

Ambry Genetics
Classification: Likely benign for Hereditary cancer-predisposing syndrome. Last evaluated: 2024-12-15. Review status: criteria provided, single submitter. Criteria: Ambry Variant Classification Scheme 2023. Collection method: clinical testing. Allele origin: germline.